The following is an entry in ClinVar:

ClinVar aggregate classification (germline): Uncertain significance (1 of 4 stars; one submission).

Conditions:
Hypophosphatasia. Also called: Phosphoethanol-aminuria. Identifiers: Orphanet 436, MedGen C0020630, MeSH D007014, MONDO:0018570.

Submission:

Genomenon, Inc
Classification: Uncertain significance for Hypophosphatasia. Last evaluated: 2026-09-01. Review status: criteria provided, single submitter. Criteria: Genomenon Sequence Variant Interpretation Standards - Updated. Collection method: curation. Allele origin: germline.
Comment: ALPL p.His379Tyr (c.1135C>T) is a missense variant that changes the amino acid at codon 379 from Histidine to Tyrosine. This variant has been reported in the published literature (PMID:39983296). This variant is located in a mutational hotspot and/or important functional domain. It is absent or not present at a significant frequency in gnomAD. In silico models predict that this variant is possibly or probably damaging. In conclusion, we classify ALPL p.His379Tyr (c.1135C>T) as a variant of uncertain significance.

Literature cited by the submitters: PubMed 39983296.

NM_000478.6(ALPL):c.1135C>T (p.His379Tyr)

Gene: ALPL (alkaline phosphatase, biomineralization associated; plus strand). Cytogenetic location: 1p36.12.
Variant type: single nucleotide variant.
Coding change: c.1135C>T on transcript NM_000478.6 (MANE Select); coding-DNA position 1135, C replaced by T.
Protein change: p.His379Tyr; replaces histidine 379 with tyrosine.
Molecular consequence: missense variant.
Genome position (GRCh38, 1-based): chr1:21,575,870, C>T. VCF-style: chr1-21575870-C-T. GRCh37 (hg19) VCF-style: chr1-21902363-C-T.
Other names: c.970C>T, p.His324Tyr (NM_001127501.4); c.904C>T, p.His302Tyr (NM_001177520.3); c.1135C>T, p.His379Tyr (NM_001369803.2, NM_001369804.2, NM_001369805.2); short protein forms H302Y, H324Y, H379Y.
Identifiers: ClinVar variation 4974786 (VCV004974786.1).